The following is an entry in ClinVar:

NM_001077350.3(NPRL3):c.630-3C>G

Genes: HBA-LCR (alpha-globin locus control region; plus strand), NPRL3 (NPR3 like, GATOR1 complex subunit; minus strand). Cytogenetic location: 16p13.3.
Variant type: single nucleotide variant.
Coding change: c.630-3C>G on transcript NM_001077350.3 (MANE Select); 3 bases into the intron before coding-DNA position 630, C replaced by G.
Molecular consequence: intron variant.
Genome position (GRCh38, 1-based): chr16:100,512, G>C on the plus strand (C>G on the coding strand, the complement: NPRL3 is on the minus strand). VCF-style: chr16-100512-G-C. GRCh37 (hg19) VCF-style: chr16-150510-G-C.
Other names: c.396-3C>G (NM_001243247.2); c.555-3C>G (NM_001243248.2, NM_001243249.2); c.93-3C>G (NM_001039476.3).
Identifiers: ClinVar variation 1356821 (VCV001356821.6), dbSNP rs2141925516, ClinGen allele CA2573151687.
Genomic context (GRCh38, chr16:100,512, plus strand): 5'-GAAGCTCACCTCCAGCCAGCTGTTGATGTGAAGCCGAACTACGCCCGACGTGCACAGGCT[G>C]CAGAGAGTGGGCGCTGTTACCCGTTCACATAAACTTTCTAACCATGCACACAGATCAGAA-3'

ClinVar aggregate classification (germline): Uncertain significance (1 of 4 stars; one submission).

Conditions:
Epilepsy, familial focal, with variable foci 3 (FFEVF3). Identifiers: MedGen C4310708, MONDO:0014925, OMIM 617118.

Submission:

Labcorp Genetics (formerly Invitae), Labcorp
Classification: Uncertain significance for Epilepsy, familial focal, with variable foci 3. Last evaluated: 2022-09-27. Review status: criteria provided, single submitter. Criteria: Invitae Variant Classification Sherloc (09022015). Collection method: clinical testing. Allele origin: germline.
Comment: In summary, the available evidence is currently insufficient to determine the role of this variant in disease. Therefore, it has been classified as a Variant of Uncertain Significance. Variants that disrupt the consensus splice site are a relatively common cause of aberrant splicing (PMID: 17576681, 9536098). Algorithms developed to predict the effect of sequence changes on RNA splicing suggest that this variant may disrupt the consensus splice site. ClinVar contains an entry for this variant (Variation ID: 1356821). This variant has not been reported in the literature in individuals affected with NPRL3-related conditions. This variant is not present in population databases (gnomAD no frequency). This sequence change falls in intron 7 of the NPRL3 gene. It does not directly change the encoded amino acid sequence of the NPRL3 protein. It affects a nucleotide within the consensus splice site.

Literature cited by the submitters: PubMed 17576681; PubMed 9536098.